The following is an entry in ClinVar:

NM_002335.4(LRP5):c.3514C>T (p.Arg1172Cys)

Gene: LRP5 (LDL receptor related protein 5; plus strand). Cytogenetic location: 11q13.2.
Variant type: single nucleotide variant.
Coding change: c.3514C>T on transcript NM_002335.4 (MANE Select); coding-DNA position 3514, C replaced by T.
Protein change: p.Arg1172Cys; replaces arginine 1172 with cysteine.
Molecular consequence: missense variant.
Genome position (GRCh38, 1-based): chr11:68,426,064, C>T. VCF-style: chr11-68426064-C-T. GRCh37 (hg19) VCF-style: chr11-68193532-C-T.
Other names: c.1771C>T, p.Arg591Cys (NM_001291902.2); short protein forms R1172C, R591C.
Identifiers: ClinVar variation 2819394 (VCV002819394.3), dbSNP rs1394958801, ClinGen allele CA381621851.

ClinVar aggregate classification (germline): Uncertain significance (1 of 4 stars; one submission).

Allele frequency attached by ClinVar (database versions not stated): gnomAD exomes 0.00001; TOPMed 0.00001.
gnomAD v4.1: 8 of 1,613,756 alleles (0.0005%); highest among the groups gnomAD compares: East Asian, 0.0022%; no homozygotes.

Submission:

Labcorp Genetics (formerly Invitae), Labcorp
Classification: Uncertain significance. Last evaluated: 2023-06-03. Review status: criteria provided, single submitter. Criteria: Invitae Variant Classification Sherloc (09022015). Collection method: clinical testing. Allele origin: germline.
Comment: In summary, the available evidence is currently insufficient to determine the role of this variant in disease. Therefore, it has been classified as a Variant of Uncertain Significance. Advanced modeling of protein sequence and biophysical properties (such as structural, functional, and spatial information, amino acid conservation, physicochemical variation, residue mobility, and thermodynamic stability) performed at Invitae indicates that this missense variant is not expected to disrupt LRP5 protein function. This variant has not been reported in the literature in individuals affected with LRP5-related conditions. This variant is present in population databases (no rsID available, gnomAD 0.0009%). This sequence change replaces arginine, which is basic and polar, with cysteine, which is neutral and slightly polar, at codon 1172 of the LRP5 protein (p.Arg1172Cys).